The following is an entry in ClinVar:

ClinVar aggregate classification (germline): Uncertain significance (1 of 4 stars; one submission).

Conditions:
Aicardi-Goutieres syndrome 2. Identifiers: Orphanet 51, MedGen C3489724, MONDO:0012429, OMIM 610181.

Allele frequency attached by ClinVar (database versions not stated): gnomAD 0.00001; gnomAD exomes 0.00001; ExAC 0.00002; 1000 Genomes Project 30x 0.00016; 1000 Genomes Project 0.00020.
gnomAD v4.1: 10 of 1,613,786 alleles (0.00062%); highest among the groups gnomAD compares: South Asian, 0.0011%; 1 homozygote.

Submission:

Labcorp Genetics (formerly Invitae), Labcorp
Classification: Uncertain significance for Aicardi-Goutieres syndrome 2. Last evaluated: 2025-03-04. Review status: criteria provided, single submitter. Criteria: Invitae Variant Classification Sherloc (09022015). Collection method: clinical testing. Allele origin: germline.
Comment: This sequence change replaces serine, which is neutral and polar, with threonine, which is neutral and polar, at codon 191 of the RNASEH2B protein (p.Ser191Thr). This variant is present in population databases (rs555463211, gnomAD 0.003%). This variant has not been reported in the literature in individuals affected with RNASEH2B-related conditions. ClinVar contains an entry for this variant (Variation ID: 1516227). Invitae Evidence Modeling of protein sequence and biophysical properties (such as structural, functional, and spatial information, amino acid conservation, physicochemical variation, residue mobility, and thermodynamic stability) has been performed for this missense variant. However, the output from this modeling did not meet the statistical confidence thresholds required to predict the impact of this variant on RNASEH2B protein function. In summary, the available evidence is currently insufficient to determine the role of this variant in disease. Therefore, it has been classified as a Variant of Uncertain Significance.

NM_024570.4(RNASEH2B):c.571T>A (p.Ser191Thr)

Gene: RNASEH2B (ribonuclease H2 subunit B; plus strand). Cytogenetic location: 13q14.3.
Variant type: single nucleotide variant.
Coding change: c.571T>A on transcript NM_024570.4 (MANE Select); coding-DNA position 571, T replaced by A.
Protein change: p.Ser191Thr; replaces serine 191 with threonine.
Molecular consequence: missense variant.
Genome position (GRCh38, 1-based): chr13:50,945,487, T>A. VCF-style: chr13-50945487-T-A. GRCh37 (hg19) VCF-style: chr13-51519623-T-A.
Other names: c.571T>A, p.Ser191Thr (NM_001142279.2); short protein forms S191T.
Identifiers: ClinVar variation 1516227 (VCV001516227.6), dbSNP rs555463211, ClinGen allele CA6985622.
Genomic context (GRCh38, chr13:50,945,487, plus strand): 5'-GTTAATCAAACTGTGGCAGCATTAAAAACCAATAATGTGAATGTCAGTTCCCGGGTACAG[T>A]CAACTGCATTTTTCTCTGGTGACCAAGCTTCCACTGACAAGGAAGGTAAGTAAAGCATTT-3'
Protein context (NP_078846.2, residues 181-201): NNVNVSSRVQ[Ser191Thr]TAFFSGDQAS